The following is an entry in ClinVar:

NM_001165963.4(SCN1A):c.38G>T (p.Ser13Ile)

Gene: SCN1A (sodium voltage-gated channel alpha subunit 1; minus strand). Cytogenetic location: 2q24.3.
Variant type: single nucleotide variant.
Coding change: c.38G>T on transcript NM_001165963.4 (MANE Select); coding-DNA position 38, G replaced by T.
Protein change: p.Ser13Ile; replaces serine 13 with isoleucine.
Molecular consequence: missense variant. On other transcripts: 5 prime UTR variant (1), non-coding transcript variant (1).
Genome position (GRCh38, 1-based): chr2:166,073,584, C>A on the plus strand (G>T on the coding strand, the complement: SCN1A is on the minus strand). VCF-style: chr2-166073584-C-A. GRCh37 (hg19) VCF-style: chr2-166930094-C-A.
Other names: c.38G>T, p.Ser13Ile (NM_001165964.3, NM_001202435.3, NM_001353948.2 and 10 more transcripts); c.-2388G>T (NM_001353961.2); short protein forms S13I.
Identifiers: ClinVar variation 1683550 (VCV001683550.2), dbSNP rs1684704155, ClinGen allele CA349243442.

ClinVar aggregate classification (germline): Uncertain significance (1 of 4 stars; one submission).

Conditions:
Severe myoclonic epilepsy in infancy (DRVT). Also called: Epileptic encephalopathy, early infantile, 6 (Dravet syndrome); Dravet syndrome; SEVERE MYOCLONIC EPILEPSY OF INFANCY; DEVELOPMENTAL AND EPILEPTIC ENCEPHALOPATHY 6A; Severe Myoclonic Epilepsy in Infancy (SMEI). Identifiers: Orphanet 33069, MedGen C0751122, MONDO:0100135, OMIM 607208.

Allele frequency attached by ClinVar (database versions not stated): gnomAD exomes below 0.00001.
gnomAD v4.1: 2 of 1,614,148 alleles (0.00012%); highest among the groups gnomAD compares: Non-Finnish European, 0.00017%; no homozygotes.

Submission:

Laboratorio de Genetica e Diagnostico Molecular, Hospital Israelita Albert Einstein
Classification: Uncertain significance for Severe myoclonic epilepsy in infancy. Last evaluated: 2022-02-08. Review status: criteria provided, single submitter. Criteria: ACMG Guidelines, 2015. Collection method: clinical testing. Allele origin: germline. Affected: yes.
Comment: ACMG classification criteria: PM2 moderate, PP2 supporting, PP3 supporting